The following is an entry in ClinVar:

NM_015450.3(POT1):c.458T>A (p.Leu153Ter)

Gene: POT1 (protection of telomeres 1; minus strand). Cytogenetic location: 7q31.33.
Variant type: single nucleotide variant.
Coding change: c.458T>A on transcript NM_015450.3 (MANE Select); coding-DNA position 458, T replaced by A.
Protein change: p.Leu153Ter; replaces leucine 153 with a stop codon.
Molecular consequence: nonsense. On other transcripts: non-coding transcript variant (3).
Genome position (GRCh38, 1-based): chr7:124,863,438, A>T on the plus strand (T>A on the coding strand, the complement: POT1 is on the minus strand). VCF-style: chr7-124863438-A-T. GRCh37 (hg19) VCF-style: chr7-124503492-A-T.
Other names: c.65T>A, p.Leu22Ter (NM_001042594.2); short protein forms L153*, L22*.
Identifiers: ClinVar variation 3652464 (VCV003652464.2).

ClinVar aggregate classification (germline): Pathogenic (1 of 4 stars; one submission).

Conditions:
Tumor predisposition syndrome 3 (TPDS3). Also called: Melanoma, cutaneous malignant, susceptibility to, 10; Glioma susceptibility 9; LONG TELOMERE SYNDROME, POT1-RELATED; POT1 Tumor Predisposition. Identifiers: Orphanet 618, MedGen C4014476, MONDO:0014368, OMIM 615848.

Submission:

Labcorp Genetics (formerly Invitae), Labcorp
Classification: Pathogenic for Tumor predisposition syndrome 3. Last evaluated: 2024-05-07. Review status: criteria provided, single submitter. Criteria: Invitae Variant Classification Sherloc (09022015). Collection method: clinical testing. Allele origin: germline.
Comment: This sequence change creates a premature translational stop signal (p.Leu153*) in the POT1 gene. It is expected to result in an absent or disrupted protein product. Loss-of-function variants in POT1 are known to be pathogenic (PMID: 32155570). This variant is not present in population databases (gnomAD no frequency). This variant has not been reported in the literature in individuals affected with POT1-related conditions. For these reasons, this variant has been classified as Pathogenic.

Literature cited by the submitters: PubMed 32155570.